The following is an entry in ClinVar:

ClinVar aggregate classification (germline): Conflicting classifications of pathogenicity. Review status: criteria provided, conflicting classifications (1 of 4 stars). 3 submissions from 3 submitters: Uncertain significance (1); Likely benign (1). 1 of the submissions does not count toward it. Last evaluated 2025-11-15.

Conditions:
TRIM32-related disorder. Also called: TRIM32-related condition.
Bardet-Biedl syndrome (BBS). Identifiers: Orphanet 110, MedGen C0752166, MONDO:0015229.

Allele frequency attached by ClinVar (database versions not stated): TOPMed 0.00003; gnomAD 0.00004; ESP Exome Variant Server 0.00008; ExAC 0.00019.
gnomAD v4.1: 200 of 1,614,020 alleles (0.012%); highest among the groups gnomAD compares: Non-Finnish European, 0.016%; no homozygotes.

Submissions (3):

Labcorp Genetics (formerly Invitae), Labcorp
Classification: Likely benign for Bardet-Biedl syndrome. Last evaluated: 2025-11-15. Review status: criteria provided, single submitter. Criteria: Invitae Variant Classification Sherloc (09022015). Collection method: clinical testing. Allele origin: germline.

Eurofins Ntd Llc (ga)
Classification: Uncertain significance. Last evaluated: 2018-07-31. Review status: criteria provided, single submitter. Criteria: EGL ClinVar v180209 classification definitions. Collection method: clinical testing. Allele origin: germline. Observed: 3 variant alleles, 3 heterozygotes.

PreventionGenetics, part of Exact Sciences
Classification: Likely benign for TRIM32-related condition. Last evaluated: 2023-10-01. Review status: no assertion criteria provided. Collection method: clinical testing. Allele origin: germline. Not counted in ClinVar's aggregate classification.
Comment: This variant is classified as likely benign based on ACMG/AMP sequence variant interpretation guidelines (Richards et al. 2015 PMID: 25741868, with internal and published modifications).

NM_012210.4(TRIM32):c.339G>C (p.Arg113=)

Genes: ASTN2 (astrotactin 2; minus strand), TRIM32 (tripartite motif containing 32; plus strand). Cytogenetic location: 9q33.1.
Variant type: single nucleotide variant.
Coding change: c.339G>C on transcript NM_012210.4 (MANE Select); coding-DNA position 339, G replaced by C.
Protein change: p.Arg113=; no amino-acid change (arginine 113 retained).
Molecular consequence: synonymous variant. On other transcripts: intron variant (3).
Genome position (GRCh38, 1-based): chr9:116,698,081, G>C. VCF-style: chr9-116698081-G-C. GRCh37 (hg19) VCF-style: chr9-119460360-G-C.
Other names: c.339G>C, p.Arg113= (NM_001099679.2, NM_001379048.1, NM_001379049.1 and 1 more transcripts); c.2653+27690C>G (NM_014010.5); c.2794+27690C>G (NM_001365069.1); c.2806+27690C>G (NM_001365068.1).
Identifiers: ClinVar variation 281051 (VCV000281051.14), dbSNP rs150477945, ClinGen allele CA5210950.
Genomic context (GRCh38, chr9:116,698,081, plus strand): 5'-GGCTGTGGGGCTGCTCATGTGTCGGTCCTGTGGGCGGCGTCTGCCCCGGCAATTCTGCCG[G>C]AGCTGTGGTTTGGTGTTATGTGAGCCCTGCCGGGAGGCAGACCATCAGCCTCCTGGCCAC-3'
Protein context (NP_036342.2, residues 103-123): CGRRLPRQFC[Arg113=]SCGLVLCEPC